The following is an entry in ClinVar:

ClinVar aggregate classification (germline): Uncertain significance (1 of 4 stars; one submission).

Allele frequency attached by ClinVar (database versions not stated): ExAC 0.00001; gnomAD exomes 0.00001 and 0.00003.
gnomAD v4.1: 9 of 1,613,928 alleles (0.00056%); highest among the groups gnomAD compares: South Asian, 0.0077%; no homozygotes.

Submission:

Labcorp Genetics (formerly Invitae), Labcorp
Classification: Uncertain significance. Last evaluated: 2021-08-28. Review status: criteria provided, single submitter. Criteria: Invitae Variant Classification Sherloc (09022015). Collection method: clinical testing. Allele origin: germline.
Comment: This sequence change replaces valine with isoleucine at codon 247 of the GIPC3 protein (p.Val247Ile). The valine residue is moderately conserved and there is a small physicochemical difference between valine and isoleucine. This variant is present in population databases (rs757053567, ExAC 0.006%). This variant has not been reported in the literature in individuals affected with GIPC3-related conditions. Algorithms developed to predict the effect of missense changes on protein structure and function (SIFT, PolyPhen-2, Align-GVGD) all suggest that this variant is likely to be tolerated. In summary, the available evidence is currently insufficient to determine the role of this variant in disease. Therefore, it has been classified as a Variant of Uncertain Significance.

NM_133261.3(GIPC3):c.739G>A (p.Val247Ile)

Gene: GIPC3 (GIPC PDZ domain containing family member 3; plus strand). Cytogenetic location: 19p13.3.
Variant type: single nucleotide variant.
Coding change: c.739G>A on transcript NM_133261.3 (MANE Select); coding-DNA position 739, G replaced by A.
Protein change: p.Val247Ile; replaces valine 247 with isoleucine.
Molecular consequence: missense variant.
Genome position (GRCh38, 1-based): chr19:3,589,864, G>A. VCF-style: chr19-3589864-G-A. GRCh37 (hg19) VCF-style: chr19-3589862-G-A.
Other names: short protein forms V247I.
Identifiers: ClinVar variation 1444939 (VCV001444939.6), dbSNP rs757053567, ClinGen allele CA9080541.